The following is an entry in ClinVar:

NM_001365999.1(SZT2):c.4498T>C (p.Cys1500Arg)

Gene: SZT2 (SZT2 subunit of KICSTOR complex; plus strand). Cytogenetic location: 1p34.2.
Variant type: single nucleotide variant.
Coding change: c.4498T>C on transcript NM_001365999.1 (MANE Select); coding-DNA position 4498, T replaced by C.
Protein change: p.Cys1500Arg; replaces cysteine 1500 with arginine.
Molecular consequence: missense variant.
Genome position (GRCh38, 1-based): chr1:43,430,513, T>C. VCF-style: chr1-43430513-T-C. GRCh37 (hg19) VCF-style: chr1-43896184-T-C.
Other names: c.4327T>C, p.Cys1443Arg (NM_015284.4); short protein forms C1443R, C1500R.
Identifiers: ClinVar variation 1382045 (VCV001382045.6), dbSNP rs1162017434, ClinGen allele CA340021584.

ClinVar aggregate classification (germline): Uncertain significance (1 of 4 stars; one submission).

Allele frequency attached by ClinVar (database versions not stated): gnomAD exomes below 0.00001 and 0.00001; TOPMed below 0.00001; gnomAD 0.00001.
gnomAD v4.1: 5 of 1,614,200 alleles (0.00031%); highest among the groups gnomAD compares: Non-Finnish European, 0.00042%; no homozygotes.

Submission:

Labcorp Genetics (formerly Invitae), Labcorp
Classification: Uncertain significance. Last evaluated: 2022-08-09. Review status: criteria provided, single submitter. Criteria: Invitae Variant Classification Sherloc (09022015). Collection method: clinical testing. Allele origin: germline.
Comment: In summary, the available evidence is currently insufficient to determine the role of this variant in disease. Therefore, it has been classified as a Variant of Uncertain Significance. This sequence change replaces cysteine, which is neutral and slightly polar, with arginine, which is basic and polar, at codon 1443 of the SZT2 protein (p.Cys1443Arg). This variant is present in population databases (no rsID available, gnomAD 0.002%). This variant has not been reported in the literature in individuals affected with SZT2-related conditions. ClinVar contains an entry for this variant (Variation ID: 1382045). Algorithms developed to predict the effect of missense changes on protein structure and function are either unavailable or do not agree on the potential impact of this missense change (SIFT: "Deleterious"; PolyPhen-2: "Probably Damaging"; Align-GVGD: "Class C15").